The following is an entry in ClinVar:

NM_001369268.1(ACAN):c.1366T>C (p.Phe456Leu)

Gene: ACAN (aggrecan; plus strand). Cytogenetic location: 15q26.1.
Variant type: single nucleotide variant.
Coding change: c.1366T>C on transcript NM_001369268.1 (MANE Select); coding-DNA position 1366, T replaced by C.
Protein change: p.Phe456Leu; replaces phenylalanine 456 with leucine.
Molecular consequence: missense variant.
Genome position (GRCh38, 1-based): chr15:88,845,819, T>C. VCF-style: chr15-88845819-T-C. GRCh37 (hg19) VCF-style: chr15-89389050-T-C.
Other names: c.1366T>C, p.Phe456Leu (NM_001135.4, NM_013227.4); short protein forms F456L.
Identifiers: ClinVar variation 623875 (VCV000623875.53), dbSNP rs181736584, ClinGen allele CA7719527.

ClinVar aggregate classification (germline): Benign/Likely benign. Review status: criteria provided, multiple submitters, no conflicts (2 of 4 stars). 10 submissions from 8 submitters: Benign (4); Likely benign (3). 3 of the submissions do not count toward it. Last evaluated 2026-05-18.

Conditions:
Short stature and advanced bone age, with or without early-onset osteoarthritis and/or osteochondritis dissecans (SSOAOD). Identifiers: Orphanet 251262, MedGen C3665488, MONDO:0100462, OMIM 165800.
Spondyloepiphyseal dysplasia, Kimberley type. Identifiers: Orphanet 93283, MedGen C1842149, MONDO:0012019, OMIM 608361.
Spondyloepimetaphyseal dysplasia, aggrecan type. Also called: SEMD, AGGRECAN TYPE. Identifiers: Orphanet 171866, MedGen C2748544, MONDO:0013014, OMIM 612813.

Allele frequency attached by ClinVar (database versions not stated): 1000 Genomes Project 0.00200; 1000 Genomes Project 30x 0.00203; TOPMed 0.00386; ESP Exome Variant Server 0.00405; gnomAD 0.00476 and 0.00490; gnomAD exomes 0.00561 and 0.00591; ExAC 0.01103.
gnomAD v4.1: 8,834 of 1,540,434 alleles (0.57%); highest among the groups gnomAD compares: Non-Finnish European, 0.63%; 31 homozygotes.

Submissions (10):

Women's Health and Genetics/Laboratory Corporation of America, LabCorp
Classification: Likely benign. Last evaluated: 2026-05-18. Review status: criteria provided, single submitter. Criteria: LabCorp Variant Classification Summary - May 2015. Collection method: clinical testing. Allele origin: germline.
Comment: Variant summary: ACAN c.1366T>C (p.Phe456Leu) results in a non-conservative amino acid change in the encoded protein sequence. Algorithms developed to predict the effect of missense changes on protein structure and function are either unavailable or do not agree on the potential impact of this missense change. The variant allele was found at a frequency of 0.0056 in 163966 control chromosomes in the gnomAD database, including 8 homozygotes. The observed variant frequency exceeds the estimated maximal expected allele frequency for disease-causing variants in ACAN. To our knowledge, no occurrence of c.1366T>C in individuals affected with ACAN-related conditions and no experimental evidence demonstrating its impact on protein function have been reported. ClinVar contains an entry for this variant (Variation ID: 623875). Based on the evidence outlined above, the variant was classified as likely benign.

CeGaT Center for Human Genetics Tuebingen
Classification: Likely benign. Last evaluated: 2026-04-01. Review status: criteria provided, single submitter. Criteria: CeGaT Center For Human Genetics Tuebingen Variant Classification Criteria Version 2. Collection method: clinical testing. Allele origin: germline. Affected: yes. Observed: 7 variant alleles.
Comment: ACAN: BS2

Labcorp Genetics (formerly Invitae), Labcorp
Classification: Benign. Last evaluated: 2026-02-01. Review status: criteria provided, single submitter. Criteria: Invitae Variant Classification Sherloc (09022015). Collection method: clinical testing. Allele origin: germline.

Genome-Nilou Lab
Classification: Benign for Short stature and advanced bone age, with or without early-onset osteoarthritis and/or osteochondritis dissecans. Last evaluated: 2021-12-05. Review status: criteria provided, single submitter. Criteria: ACMG Guidelines, 2015. Collection method: clinical testing. Allele origin: germline. Affected: no.

Genome-Nilou Lab
Classification: Benign for Spondyloepimetaphyseal dysplasia, aggrecan type. Last evaluated: 2021-12-05. Review status: criteria provided, single submitter. Criteria: ACMG Guidelines, 2015. Collection method: clinical testing. Allele origin: germline. Affected: no.

Genome-Nilou Lab
Classification: Benign for Spondyloepiphyseal dysplasia, Kimberley type. Last evaluated: 2021-12-05. Review status: criteria provided, single submitter. Criteria: ACMG Guidelines, 2015. Collection method: clinical testing. Allele origin: germline. Affected: no.

Breakthrough Genomics
Classification: Likely benign. Review status: criteria provided, single submitter. Criteria: ACMG Guidelines, 2015. Collection method: not provided. Allele origin: germline. Inheritance: Autosomal recessive inheritance. Affected: yes.

Clinical Genetics DNA and cytogenetics Diagnostics Lab, Erasmus MC, Erasmus Medical Center
Classification: Benign. Review status: no assertion criteria provided. Collection method: clinical testing. Allele origin: germline. Affected: yes. Study: VKGL Data-share Consensus. Not counted in ClinVar's aggregate classification.

Joint Genome Diagnostic Labs from Nijmegen and Maastricht, Radboudumc and MUMC+
Classification: Benign. Review status: no assertion criteria provided. Collection method: clinical testing. Allele origin: germline. Affected: yes. Study: VKGL Data-share Consensus. Not counted in ClinVar's aggregate classification.

Laboratory of Diagnostic Genome Analysis, Leiden University Medical Center (LUMC)
Classification: Likely benign. Review status: no assertion criteria provided. Collection method: clinical testing. Allele origin: germline. Affected: yes. Study: VKGL Data-share Consensus. Not counted in ClinVar's aggregate classification.